The following is an entry in ClinVar:

NM_004304.5(ALK):c.3161G>A (p.Gly1054Asp)

Gene: ALK (ALK receptor tyrosine kinase; minus strand). Cytogenetic location: 2p23.2.
Variant type: single nucleotide variant.
Coding change: c.3161G>A on transcript NM_004304.5 (MANE Select); coding-DNA position 3161, G replaced by A.
Protein change: p.Gly1054Asp; replaces glycine 1054 with aspartic acid.
Molecular consequence: missense variant.
Genome position (GRCh38, 1-based): chr2:29,225,472, C>T on the plus strand (G>A on the coding strand, the complement: ALK is on the minus strand). VCF-style: chr2-29225472-C-T. GRCh37 (hg19) VCF-style: chr2-29448338-C-T.
Other names: c.3161G>A (NM_004304.4); short protein forms G1054D.
Identifiers: ClinVar variation 1424544 (VCV001424544.9), dbSNP rs2148176315, ClinGen allele CA346466770.

ClinVar aggregate classification (germline): Uncertain significance. Review status: criteria provided, multiple submitters, no conflicts (2 of 4 stars). 2 submissions from 2 submitters: Uncertain significance (2). Last evaluated 2025-09-16.

Conditions:
Neuroblastoma, susceptibility to, 3. Also called: ALK-Related Neuroblastic Tumor Susceptibility. Identifiers: Orphanet 635, MedGen C2751681, MONDO:0013083, OMIM 613014.
Hereditary cancer-predisposing syndrome. Also called: Hereditary neoplastic syndrome; Tumor predisposition; Hereditary Cancer Syndrome; Neoplastic Syndromes, Hereditary. Identifiers: Orphanet 140162, MedGen C0027672, MeSH D009386, MONDO:0015356.

Submissions (2):

Ambry Genetics
Classification: Uncertain significance for Hereditary cancer-predisposing syndrome. Last evaluated: 2025-09-16. Review status: criteria provided, single submitter. Criteria: Ambry Variant Classification Scheme 2023. Collection method: clinical testing. Allele origin: germline.
Comment: The p.G1054D variant (also known as c.3161G>A), located in coding exon 19 of the ALK gene, results from a G to A substitution at nucleotide position 3161. The glycine at codon 1054 is replaced by aspartic acid, an amino acid with similar properties. This amino acid position is conserved. In addition, this alteration is predicted to be deleterious by in silico analysis. Based on the available evidence, the clinical significance of this variant remains unclear.

Labcorp Genetics (formerly Invitae), Labcorp
Classification: Uncertain significance for Neuroblastoma, susceptibility to, 3. Last evaluated: 2024-05-21. Review status: criteria provided, single submitter. Criteria: Invitae Variant Classification Sherloc (09022015). Collection method: clinical testing. Allele origin: germline.
Comment: This sequence change replaces glycine, which is neutral and non-polar, with aspartic acid, which is acidic and polar, at codon 1054 of the ALK protein (p.Gly1054Asp). This variant is not present in population databases (gnomAD no frequency). This variant has not been reported in the literature in individuals affected with ALK-related conditions. ClinVar contains an entry for this variant (Variation ID: 1424544). An algorithm developed to predict the effect of missense changes on protein structure and function (PolyPhen-2) suggests that this variant is likely to be disruptive. In summary, the available evidence is currently insufficient to determine the role of this variant in disease. Therefore, it has been classified as a Variant of Uncertain Significance.